The following is an entry in ClinVar:

ClinVar aggregate classification (germline): Pathogenic (1 of 4 stars; one submission).

Conditions:
Phenylketonuria (PKU). Also called: Phenylketonurias; Phenylketonuria (PKU); OLIGOPHRENIA PHENYLPYRUVICA; FOLLING DISEASE. Identifiers: Orphanet 716, MedGen C0031485, MONDO:0009861, OMIM 261600. Disease mechanism: loss of function.

Submission:

Labcorp Genetics (formerly Invitae), Labcorp
Classification: Pathogenic for Phenylketonuria. Last evaluated: 2020-02-17. Review status: criteria provided, single submitter. Criteria: Invitae Variant Classification Sherloc (09022015). Collection method: clinical testing. Allele origin: germline.
Comment: This variant is not present in population databases (ExAC no frequency). This sequence change creates a premature translational stop signal (p.Lys192*) in the PAH gene. It is expected to result in an absent or disrupted protein product. For these reasons, this variant has been classified as Pathogenic. Loss-of-function variants in PAH are known to be pathogenic (PMID: 1301187, 9634518).

Literature cited by the submitters: PubMed 1301187; PubMed 9634518.

NM_000277.3(PAH):c.574_580del (p.Phe191_Lys192insTer)

Gene: PAH (phenylalanine hydroxylase; minus strand). Cytogenetic location: 12q23.2.
Variant type: Deletion.
Coding change: c.574_580del on transcript NM_000277.3 (MANE Select); coding-DNA positions 574 to 580, 7 bases deleted (AAGACTC; older notation c.574_580delAAGACTC).
Protein change: p.Phe191_Lys192insTer.
Molecular consequence: nonsense.
Genome position (GRCh38, 1-based): chr12:102,855,262-102,855,268, GAGTCTT deleted on the plus strand (AAGACTC on the coding strand, the reverse complement: PAH is on the minus strand); deleting any 7 consecutive bases within chr12:102,855,262-102,855,270 gives the same sequence; the c. name uses the placement nearest the transcript's 3' end. VCF-style (leftmost placement, unchanged base first): chr12-102855261-AGAGTCTT-A. GRCh37 (hg19) VCF-style: chr12-103249039-AGAGTCTT-A.
Other names: c.574_580del, p.Phe191_Lys192insTer (NM_001354304.2).
Identifiers: ClinVar variation 1075141 (VCV001075141.9), dbSNP rs2136649605, ClinGen allele CA2499221403.